The following is an entry in ClinVar:

NM_001040431.3(COA3):c.301G>C (p.Ala101Pro)

Gene: COA3 (cytochrome c oxidase assembly factor 3; minus strand). Cytogenetic location: 17q21.2.
Variant type: single nucleotide variant.
Coding change: c.301G>C on transcript NM_001040431.3 (MANE Select); coding-DNA position 301, G replaced by C.
Protein change: p.Ala101Pro; replaces alanine 101 with proline.
Molecular consequence: missense variant.
Genome position (GRCh38, 1-based): chr17:42,798,081, C>G on the plus strand (G>C on the coding strand, the complement: COA3 is on the minus strand). VCF-style: chr17-42798081-C-G. GRCh37 (hg19) VCF-style: chr17-40950099-C-G.
Other names: short protein forms A101P.
Identifiers: ClinVar variation 3834810 (VCV003834810.2).
Genomic context (GRCh38, chr17:42,798,081, plus strand): 5'-GGGGCTCCAGCAGGTTGGACATGATCAATACCCATCCAGATTAGGACCCTGACGCCCTTG[C>G]CAGAGCTCGGGCTCGGGCAGCTTTGGCCTCGTCTTCTAGCTCATCTAGGAAACGCTCCTG-3'
Protein context (NP_001035521.1, residues 91-106): EAKAARARAL[Ala101Pro]RASGS

ClinVar aggregate classification (germline): Uncertain significance. Review status: criteria provided, multiple submitters, no conflicts (2 of 4 stars). 2 submissions from 2 submitters: Uncertain significance (2). Last evaluated 2025-07-09.

gnomAD v4.1: 114 of 1,613,964 alleles (0.0071%); highest among the groups gnomAD compares: Middle Eastern, 0.082%; no homozygotes.

Submissions (2):

Labcorp Genetics (formerly Invitae), Labcorp
Classification: Uncertain significance. Last evaluated: 2025-07-09. Review status: criteria provided, single submitter. Criteria: Invitae Variant Classification Sherloc (09022015). Collection method: clinical testing. Allele origin: germline.
Comment: This sequence change replaces alanine, which is neutral and non-polar, with proline, which is neutral and non-polar, at codon 101 of the COA3 protein (p.Ala101Pro). This variant is present in population databases (rs367768181, gnomAD 0.01%). This variant has not been reported in the literature in individuals affected with COA3-related conditions. ClinVar contains an entry for this variant (Variation ID: 3834810). Experimental studies and prediction algorithms are not available or were not evaluated, and the functional significance of this variant is currently unknown. In summary, the available evidence is currently insufficient to determine the role of this variant in disease. Therefore, it has been classified as a Variant of Uncertain Significance.

Ambry Genetics
Classification: Uncertain significance. Last evaluated: 2025-01-01. Review status: criteria provided, single submitter. Criteria: Ambry Variant Classification Scheme 2023. Collection method: clinical testing. Allele origin: germline.